The following is an entry in ClinVar:

NM_020297.4(ABCC9):c.1909G>A (p.Val637Ile)

Gene: ABCC9 (ATP binding cassette subfamily C member 9; minus strand). Cytogenetic location: 12p12.1.
Variant type: single nucleotide variant.
Coding change: c.1909G>A on transcript NM_020297.4 (MANE Select); coding-DNA position 1909, G replaced by A.
Protein change: p.Val637Ile; replaces valine 637 with isoleucine.
Molecular consequence: missense variant.
Genome position (GRCh38, 1-based): chr12:21,887,828, C>T on the plus strand (G>A on the coding strand, the complement: ABCC9 is on the minus strand). VCF-style: chr12-21887828-C-T. GRCh37 (hg19) VCF-style: chr12-22040762-C-T.
Other names: c.1909G>A, p.Val637Ile (NM_001377273.1, NM_005691.4); c.1045G>A, p.Val349Ile (NM_001377274.1); short protein forms V637I, V349I.
Identifiers: ClinVar variation 45393 (VCV000045393.19), dbSNP rs113542001, ClinGen allele CA136225.

ClinVar aggregate classification (germline): Conflicting classifications of pathogenicity. Review status: criteria provided, conflicting classifications (1 of 4 stars). 6 submissions from 6 submitters: Uncertain significance (3); Benign (1); Likely benign (2). Last evaluated 2025-12-21.

Conditions:
Cardiovascular phenotype. Identifiers: MedGen CN230736.
Cardiomyopathy (CMYO). Also called: Cardiomyopathies. Identifiers: Orphanet 167848, MedGen C0878544, MONDO:0004994, HP:0001638. Inheritance: Various modes of inheritance.
Dilated cardiomyopathy 1O (CMD1O). Also called: CARDIOMYOPATHY, DILATED, WITH VENTRICULAR TACHYCARDIA. Identifiers: Orphanet 154, MedGen C1837839, MONDO:0012062, OMIM 608569.

Allele frequency attached by ClinVar (database versions not stated): gnomAD exomes 0.00004; ExAC 0.00007; TOPMed 0.00012; gnomAD 0.00015 and 0.00016; 1000 Genomes Project 30x 0.00016; 1000 Genomes Project 0.00020; ESP Exome Variant Server 0.00023.
gnomAD v4.1: 92 of 1,606,910 alleles (0.0057%); highest among the groups gnomAD compares: African/African-American, 0.089%; no homozygotes.

Submissions (6):

Labcorp Genetics (formerly Invitae), Labcorp
Classification: Uncertain significance for Dilated cardiomyopathy 1O. Last evaluated: 2025-12-21. Review status: criteria provided, single submitter. Criteria: Invitae Variant Classification Sherloc (09022015). Collection method: clinical testing. Allele origin: germline.
Comment: This sequence change replaces valine, which is neutral and non-polar, with isoleucine, which is neutral and non-polar, at codon 637 of the ABCC9 protein (p.Val637Ile). This variant is present in population databases (rs113542001, gnomAD 0.05%). This variant has not been reported in the literature in individuals affected with ABCC9-related conditions. ClinVar contains an entry for this variant (Variation ID: 45393). An algorithm developed to predict the effect of missense changes on protein structure and function outputs the following: PolyPhen-2: "Benign". The isoleucine amino acid residue is found in multiple mammalian species, which suggests that this missense change does not adversely affect protein function. In summary, the available evidence is currently insufficient to determine the role of this variant in disease. Therefore, it has been classified as a Variant of Uncertain Significance.

Ambry Genetics
Classification: Benign for Cardiovascular phenotype. Last evaluated: 2025-01-15. Review status: criteria provided, single submitter. Criteria: Ambry Variant Classification Scheme 2023. Collection method: clinical testing. Allele origin: germline.

Blueprint Genetics
Classification: Likely benign. Last evaluated: 2024-11-25. Review status: criteria provided, single submitter. Criteria: ACMG Guidelines, 2015. Collection method: clinical testing. Allele origin: germline.

CHEO Genetics Diagnostic Laboratory, Children's Hospital of Eastern Ontario
Classification: Likely benign for Cardiomyopathy. Last evaluated: 2019-08-26. Review status: criteria provided, single submitter. Criteria: ACMG Guidelines, 2015. Collection method: clinical testing. Allele origin: germline.

GeneDx
Classification: Uncertain significance. Last evaluated: 2019-05-10. Review status: criteria provided, single submitter. Criteria: GeneDx Variant Classification Process June 2021. Collection method: clinical testing. Allele origin: germline. Affected: yes.
Comment: Has not been previously published as pathogenic or benign to our knowledge; Reported in ClinVar but additional evidence is not available (ClinVar Variant ID# 45393; Landrum et al., 2016)); In silico analysis, which includes protein predictors and evolutionary conservation, supports that this variant does not alter protein structure/function

Laboratory for Molecular Medicine, Mass General Brigham Personalized Medicine
Classification: Uncertain significance. Last evaluated: 2010-08-04. Review status: criteria provided, single submitter. Criteria: LMM Criteria. Collection method: clinical testing. Allele origin: germline. Observed: 1 variant allele.
Comment: The Val637Ile variant has not been reported in the literature nor previously ide ntified in 369 individuals tested by our laboratory. Valine (Val) at position 6 37 is not 100% conserved across different species (opossum has a glutamine, chic ken has a leucine, tetraodon has a methionine), reducing the likelihood that the change is pathogenic. In addition, the ABCC9 gene has not yet been linked to l eft ventricular noncompaction. In summary, the currently available evidence sugg ests that the Val637Ile variant is unlikely to be pathogenic but additional stud ies (healthy control and/or segregation studies) are required to determine its s ignificance with certainty.

Literature cited by the submitters: PubMed 28569743 (cited by Ambry Genetics); PubMed 33874732 (cited by Ambry Genetics).